The following is an entry in ClinVar:

ClinVar aggregate classification (germline): Benign. Review status: criteria provided, multiple submitters, no conflicts (2 of 4 stars). 3 submissions from 3 submitters: Benign (3). Last evaluated 2025-10-10.

Conditions:
THBS1-related disorder. Also called: THBS1-related condition.

Allele frequency attached by ClinVar (database versions not stated): 1000 Genomes Project 0.00859; gnomAD 0.00895; 1000 Genomes Project 30x 0.00906; TOPMed 0.01048; ESP Exome Variant Server 0.01170.
gnomAD v4.1: 2,825 of 1,613,268 alleles (0.18%); highest among the groups gnomAD compares: African/African-American, 3.4%; 49 homozygotes.

Submissions (3):

PreventionGenetics, part of Exact Sciences
Classification: Benign for THBS1-related condition. Last evaluated: 2025-10-10. Review status: criteria provided, single submitter. Criteria: ACMG Guidelines, 2015. Collection method: clinical testing. Allele origin: germline.
Comment: This variant is classified as benign based on ACMG/AMP sequence variant interpretation guidelines (Richards et al. 2015 PMID: 25741868, with internal and published modifications).

Labcorp Genetics (formerly Invitae), Labcorp
Classification: Benign. Last evaluated: 2019-12-31. Review status: criteria provided, single submitter. Criteria: Invitae Variant Classification Sherloc (09022015). Collection method: clinical testing. Allele origin: germline.

Breakthrough Genomics
Classification: Benign. Review status: criteria provided, single submitter. Criteria: ACMG Guidelines, 2015. Collection method: not provided. Allele origin: germline. Inheritance: Unknown mechanism. Affected: yes.

NM_003246.4(THBS1):c.582C>T (p.Ile194=)

Gene: THBS1 (thrombospondin 1; plus strand). Cytogenetic location: 15q14.
Variant type: single nucleotide variant.
Coding change: c.582C>T on transcript NM_003246.4 (MANE Select); coding-DNA position 582, C replaced by T.
Protein change: p.Ile194=; no amino-acid change (isoleucine 194 retained).
Molecular consequence: synonymous variant.
Genome position (GRCh38, 1-based): chr15:39,582,707, C>T. VCF-style: chr15-39582707-C-T. GRCh37 (hg19) VCF-style: chr15-39874908-C-T.
Identifiers: ClinVar variation 783706 (VCV000783706.6), dbSNP rs75597604, ClinGen allele CA7471667.